The following is an entry in ClinVar:

NM_001370259.2(MEN1):c.247C>G (p.Leu83Val)

Gene: MEN1 (menin 1; minus strand). Cytogenetic location: 11q13.1.
Variant type: single nucleotide variant.
Coding change: c.247C>G on transcript NM_001370259.2 (MANE Select); coding-DNA position 247, C replaced by G.
Protein change: p.Leu83Val; replaces leucine 83 with valine.
Molecular consequence: missense variant. On other transcripts: non-coding transcript variant (4).
Genome position (GRCh38, 1-based): chr11:64,809,863, G>C on the plus strand (C>G on the coding strand, the complement: MEN1 is on the minus strand). VCF-style: chr11-64809863-G-C. GRCh37 (hg19) VCF-style: chr11-64577335-G-C.
Other names: c.247C>G, p.Leu83Val (NM_000244.4, NM_001370251.2, NM_001370260.2 and 20 more transcripts); short protein forms L83V.
Identifiers: ClinVar variation 3634214 (VCV003634214.4).
Genomic context (GRCh38, chr11:64,809,863, plus strand): 5'-GGTCGACGGCGCCTCGGATCTGGGCGGTGAAGCGGGCATAGAGGGCGGCGATGATAGACA[G>C]GTCGGCCACGGGAAAGTAGGTGAGGCCGCCAGGCGGGTCGGGGGCGGGGCTGGGCTGGAA-3'
Protein context (NP_001357188.2, residues 73-93): GGLTYFPVAD[Leu83Val]SIIAALYARF

ClinVar aggregate classification (germline): Uncertain significance. Review status: criteria provided, multiple submitters, no conflicts (2 of 4 stars). 2 submissions from 2 submitters: Uncertain significance (2). Last evaluated 2026-08-07.

Conditions:
Multiple endocrine neoplasia, type 1 (MEN1). Also called: MEA I; MEN I; WERMER SYNDROME; Endocrine adenomatosis multiple; MEN 1. Identifiers: Orphanet 652, MedGen C0025267, MeSH D018761, MONDO:0007540, OMIM 131100.
Hereditary cancer-predisposing syndrome. Also called: Hereditary neoplastic syndrome; Neoplastic Syndromes, Hereditary; Tumor predisposition; Hereditary Cancer Syndrome. Identifiers: Orphanet 140162, MedGen C0027672, MeSH D009386, MONDO:0015356.

Submissions (2):

Ambry Genetics
Classification: Uncertain significance for Hereditary cancer-predisposing syndrome. Last evaluated: 2026-08-07. Review status: criteria provided, single submitter. Criteria: Ambry Variant Classification Scheme 2023. Collection method: clinical testing. Allele origin: germline.
Comment: The p.L83V variant (also known as c.247C>G), located in coding exon 1 of the MEN1 gene, results from a C to G substitution at nucleotide position 247. The leucine at codon 83 is replaced by valine, an amino acid with highly similar properties. This amino acid position is highly conserved in available vertebrate species. In addition, this alteration is predicted to be deleterious by in silico analysis. Based on the available evidence, the clinical significance of this variant remains unclear.

Labcorp Genetics (formerly Invitae), Labcorp
Classification: Uncertain significance for Multiple endocrine neoplasia, type 1. Last evaluated: 2024-03-02. Review status: criteria provided, single submitter. Criteria: Invitae Variant Classification Sherloc (09022015). Collection method: clinical testing. Allele origin: germline.
Comment: This sequence change replaces leucine, which is neutral and non-polar, with valine, which is neutral and non-polar, at codon 83 of the MEN1 protein (p.Leu83Val). This variant is not present in population databases (gnomAD no frequency). This variant has not been reported in the literature in individuals affected with MEN1-related conditions. Advanced modeling of protein sequence and biophysical properties (such as structural, functional, and spatial information, amino acid conservation, physicochemical variation, residue mobility, and thermodynamic stability) performed at Invitae indicates that this missense variant is expected to disrupt MEN1 protein function with a positive predictive value of 95%. In summary, the available evidence is currently insufficient to determine the role of this variant in disease. Therefore, it has been classified as a Variant of Uncertain Significance.